The following is an entry in ClinVar:

NM_003361.4(UMOD):c.50G>A (p.Trp17Ter)

Gene: UMOD (uromodulin; minus strand). Cytogenetic location: 16p12.3.
Variant type: single nucleotide variant.
Coding change: c.50G>A on transcript NM_003361.4 (MANE Select); coding-DNA position 50, G replaced by A.
Protein change: p.Trp17Ter; replaces tryptophan 17 with a stop codon.
Molecular consequence: nonsense. On other transcripts: non-coding transcript variant (1).
Genome position (GRCh38, 1-based): chr16:20,350,688, C>T on the plus strand (G>A on the coding strand, the complement: UMOD is on the minus strand). VCF-style: chr16-20350688-C-T. GRCh37 (hg19) VCF-style: chr16-20362010-C-T.
Other names: c.50G>A, p.Trp17Ter (NM_001008389.3, NM_001278614.2, NM_001378232.1 and 4 more transcripts); short protein forms W17*.
Identifiers: ClinVar variation 3684387 (VCV003684387.2).

ClinVar aggregate classification (germline): Uncertain significance (1 of 4 stars; one submission).

gnomAD v4.1: 1 of 1,614,032 alleles (0.000062%); highest among the groups gnomAD compares: Non-Finnish European, 0.000085%; no homozygotes.

Submission:

Labcorp Genetics (formerly Invitae), Labcorp
Classification: Uncertain significance. Last evaluated: 2024-08-05. Review status: criteria provided, single submitter. Criteria: Invitae Variant Classification Sherloc (09022015). Collection method: clinical testing. Allele origin: germline.
Comment: This sequence change creates a premature translational stop signal (p.Trp17*) in the UMOD gene. It is expected to result in an absent or disrupted protein product. However, the current clinical and genetic evidence is not sufficient to establish whether loss-of-function variants in UMOD cause disease. This variant is not present in population databases (gnomAD no frequency). This variant has not been reported in the literature in individuals affected with UMOD-related conditions. In summary, the available evidence is currently insufficient to determine the role of this variant in disease. Therefore, it has been classified as a Variant of Uncertain Significance.